The following is an entry in ClinVar:

ClinVar aggregate classification (germline): Uncertain significance (1 of 4 stars; one submission).

gnomAD v4.1: 4 of 1,614,020 alleles (0.00025%); highest among the groups gnomAD compares: African/African-American, 0.004%; no homozygotes.

Submission:

CeGaT Center for Human Genetics Tuebingen
Classification: Uncertain significance. Last evaluated: 2026-06-01. Review status: criteria provided, single submitter. Criteria: CeGaT Center For Human Genetics Tuebingen Variant Classification Criteria Version 2. Collection method: clinical testing. Allele origin: germline. Affected: yes. Observed: 1 variant allele.
Comment: RORB: PM2, PP2, PP3

NM_006914.4(RORB):c.280T>C (p.Tyr94His)

Gene: RORB (RAR related orphan receptor B; plus strand). Cytogenetic location: 9q21.13.
Variant type: single nucleotide variant.
Coding change: c.280T>C on transcript NM_006914.4 (MANE Select); coding-DNA position 280, T replaced by C.
Protein change: p.Tyr94His; replaces tyrosine 94 with histidine.
Molecular consequence: missense variant.
Genome position (GRCh38, 1-based): chr9:74,642,458, T>C. VCF-style: chr9-74642458-T-C. GRCh37 (hg19) VCF-style: chr9-77257374-T-C.
Other names: c.313T>C, p.Tyr105His (NM_001365023.1); short protein forms Y105H, Y94H.
Identifiers: ClinVar variation 4874088 (VCV004874088.2).
Genomic context (GRCh38, chr9:74,642,458, plus strand): 5'-TTTCTCTCCAACCCAGCTGTGAAGTTTGGGAGGATGTCCAAGAAGCAAAGGGACAGCCTG[T>C]ATGCTGAGGTGCAGAAGCACCAGCAGCGGCTGCAGGAACAGCGGCAGCAGCAGAGTGGGG-3'
Protein context (NP_008845.2, residues 84-104): RMSKKQRDSL[Tyr94His]AEVQKHQQRL